The following is an entry in ClinVar:

NM_004006.3(DMD):c.961-1G>C

Gene: DMD (dystrophin; minus strand). Cytogenetic location: Xp21.1.
Variant type: single nucleotide variant.
Coding change: c.961-1G>C on transcript NM_004006.3 (MANE Select); the canonical splice acceptor site of the intron before coding-DNA position 961, G replaced by C.
Molecular consequence: splice acceptor variant.
Genome position (GRCh38, 1-based): chrX:32,645,153, C>G on the plus strand (G>C on the coding strand, the complement: DMD is on the minus strand). VCF-style: chrX-32645153-C-G. GRCh37 (hg19) VCF-style: chrX-32663270-C-G.
Other names: c.937-1G>C (NM_000109.4); c.949-1G>C (NM_004009.3); c.592-1G>C (NM_004010.3).
Identifiers: ClinVar variation 1457263 (VCV001457263.6), dbSNP rs1602469384, ClinGen allele CA412662448.
Genomic context (GRCh38, chrX:32,645,153, plus strand): 5'-GTTTACTTCACTCTCCATCAATGAACTGCCAAATGACTTGTCTTCAGGAGCTTCCAAATG[C>G]TGCACAATAAAATAAATTGGGTGTTACACAATTAATGTCTTTGCAGATTGTTCCAGTACA-3'

ClinVar aggregate classification (germline): Pathogenic (1 of 4 stars; one submission).

Conditions:
Duchenne muscular dystrophy (DMD). Also called: Duchenne Muscular Dystrophy (DMD); MUSCULAR DYSTROPHY, PSEUDOHYPERTROPHIC PROGRESSIVE, DUCHENNE TYPE. Identifiers: Orphanet 98896, MedGen C0013264, MONDO:0010679, OMIM 310200.

Submission:

Labcorp Genetics (formerly Invitae), Labcorp
Classification: Pathogenic for Duchenne muscular dystrophy. Last evaluated: 2023-08-04. Review status: criteria provided, single submitter. Criteria: Invitae Variant Classification Sherloc (09022015). Collection method: clinical testing. Allele origin: germline.
Comment: For these reasons, this variant has been classified as Pathogenic. Algorithms developed to predict the effect of sequence changes on RNA splicing suggest that this variant may disrupt the consensus splice site. ClinVar contains an entry for this variant (Variation ID: 1457263). Disruption of this splice site has been observed in individual(s) with clinical features of DMD-related conditions (PMID: 21515508, 23536893; Invitae). This variant is not present in population databases (gnomAD no frequency). This sequence change affects an acceptor splice site in intron 9 of the DMD gene. It is expected to disrupt RNA splicing. Variants that disrupt the donor or acceptor splice site typically lead to a loss of protein function (PMID: 16199547), and loss-of-function variants in DMD are known to be pathogenic (PMID: 16770791, 25007885).

Literature cited by the submitters: PubMed 21515508; PubMed 23536893; PubMed 16199547; PubMed 16770791; PubMed 25007885.